The following is an entry in ClinVar:

NM_001394998.1(TANC2):c.1992G>C (p.Leu664=)

Gene: TANC2 (tetratricopeptide repeat, ankyrin repeat and coiled-coil containing 2; plus strand). Cytogenetic location: 17q23.3.
Variant type: single nucleotide variant.
Coding change: c.1992G>C on transcript NM_001394998.1 (MANE Select); coding-DNA position 1992, G replaced by C.
Protein change: p.Leu664=; no amino-acid change (leucine 664 retained).
Molecular consequence: synonymous variant.
Genome position (GRCh38, 1-based): chr17:63,354,800, G>C. VCF-style: chr17-63354800-G-C. GRCh37 (hg19) VCF-style: chr17-61432161-G-C.
Other names: c.1770G>C, p.Leu590= (NM_001411076.1, NM_025185.4).
Identifiers: ClinVar variation 4538547 (VCV004538547.1).

ClinVar aggregate classification (germline): Uncertain significance (1 of 4 stars; one submission).

Conditions:
Intellectual developmental disorder with autistic features and language delay, with or without seizures. Identifiers: MedGen C5394447, MONDO:0030051, OMIM 618906.

Submission:

Excellence Center for Genomics and Precision Medicine, King Chulalongkorn Memorial Hospital
Classification: Uncertain significance for Intellectual developmental disorder with autistic features and language delay, with or without seizures. Last evaluated: 2025-10-01. Review status: criteria provided, single submitter. Criteria: ACMG Guidelines, 2015. Collection method: clinical testing. Allele origin: germline. Affected: yes.
Comment: PM2_supporting, PP3